The following is an entry in ClinVar:

NM_020297.4(ABCC9):c.3542G>A (p.Gly1181Glu)

Gene: ABCC9 (ATP binding cassette subfamily C member 9; minus strand). Cytogenetic location: 12p12.1.
Variant type: single nucleotide variant.
Coding change: c.3542G>A on transcript NM_020297.4 (MANE Select); coding-DNA position 3542, G replaced by A.
Protein change: p.Gly1181Glu; replaces glycine 1181 with glutamic acid.
Molecular consequence: missense variant.
Genome position (GRCh38, 1-based): chr12:21,838,102, C>T on the plus strand (G>A on the coding strand, the complement: ABCC9 is on the minus strand). VCF-style: chr12-21838102-C-T. GRCh37 (hg19) VCF-style: chr12-21991036-C-T.
Other names: c.3542G>A, p.Gly1181Glu (NM_001377273.1, NM_005691.4); c.2675G>A, p.Gly892Glu (NM_001377274.1); short protein forms G892E, G1181E.
Identifiers: ClinVar variation 2705290 (VCV002705290.3), dbSNP rs2541025542, ClinGen allele CA384140566.

ClinVar aggregate classification (germline): Uncertain significance (1 of 4 stars; one submission).

Conditions:
Dilated cardiomyopathy 1O (CMD1O). Also called: CARDIOMYOPATHY, DILATED, WITH VENTRICULAR TACHYCARDIA. Identifiers: Orphanet 154, MedGen C1837839, MONDO:0012062, OMIM 608569.

Submission:

Labcorp Genetics (formerly Invitae), Labcorp
Classification: Uncertain significance for Dilated cardiomyopathy 1O. Last evaluated: 2023-12-24. Review status: criteria provided, single submitter. Criteria: Invitae Variant Classification Sherloc (09022015). Collection method: clinical testing. Allele origin: germline.
Comment: This sequence change replaces glycine, which is neutral and non-polar, with glutamic acid, which is acidic and polar, at codon 1181 of the ABCC9 protein (p.Gly1181Glu). This variant is not present in population databases (gnomAD no frequency). This variant has not been reported in the literature in individuals affected with ABCC9-related conditions. Advanced modeling of protein sequence and biophysical properties (such as structural, functional, and spatial information, amino acid conservation, physicochemical variation, residue mobility, and thermodynamic stability) performed at Invitae indicates that this missense variant is expected to disrupt ABCC9 protein function with a positive predictive value of 95%. In summary, the available evidence is currently insufficient to determine the role of this variant in disease. Therefore, it has been classified as a Variant of Uncertain Significance.